The following is an entry in ClinVar:

NM_001372044.2(SHANK3):c.2410_2413del (p.Asp804fs)

Gene: SHANK3 (SH3 and multiple ankyrin repeat domains 3; plus strand). Cytogenetic location: 22q13.33.
Variant type: Deletion.
Coding change: c.2410_2413del on transcript NM_001372044.2 (MANE Select); coding-DNA positions 2410 to 2413, 4 bases deleted (GACA; older notation c.2410_2413delGACA).
Protein change: p.Asp804fs; shifts the reading frame from aspartic acid 804.
Molecular consequence: frameshift variant.
Genome position (GRCh38, 1-based): chr22:50,714,967-50,714,970, GACA deleted; deleting any 4 consecutive bases within chr22:50,714,965-50,714,970 gives the same sequence; the c. name uses the placement nearest the transcript's 3' end. VCF-style (leftmost placement, unchanged base first): chr22-50714964-CCAGA-C. GRCh37 (hg19) VCF-style: chr22-51153392-CCAGA-C.
Other names: c.2185_2188delGACA, p.Asp729Serfs (NM_033517.1); c.2408_2411del (NM_001372044.2); short protein forms D804fs.
Identifiers: ClinVar variation 1799563 (VCV001799563.1), dbSNP rs2518417913, ClinGen allele CA2580099951.

ClinVar aggregate classification (germline): Pathogenic (1 of 4 stars; one submission).

Conditions:
Phelan-McDermid syndrome. Also called: Phelan-McDermid Syndrome-SHANK3 Related; TELOMERIC 22q13 MONOSOMY SYNDROME; 22q13.3 deletion syndrome. Identifiers: Orphanet 48652, MedGen C1853490, MONDO:0011652, OMIM 606232.

Submission:

Variantyx, Inc.
Classification: Pathogenic for Phelan-McDermid syndrome. Last evaluated: 2022-11-07. Review status: criteria provided, single submitter. Criteria: Variantyx Assertion Criteria 2022. Collection method: clinical testing. Allele origin: de novo. Inheritance: Autosomal dominant inheritance. Affected: yes.
Comment: This is a frameshift variant in the SHANK3 gene (OMIM 606230). Heterozygous pathogenic variants in this gene have been associated with autosomal dominant Phelan-McDermid syndrome (PHMDS). This variant introduces a premature termination codon in exon 20 out of 23. It is expected to result in loss of function, which is a known disease mechanism for SHANK3 in this disorder (PMID: 23758743, 30537371) (PVS1). This variant is absent from control populations (PM2_Supporting). Based on the current evidence, this variant is classified as pathogenic for autosomal dominant PHMDS.

Literature cited by the submitters: PubMed 23758743; PubMed 30537371.